The following is an entry in ClinVar:

NM_000089.4(COL1A2):c.586G>T (p.Gly196Cys)

Gene: COL1A2 (collagen type I alpha 2 chain; plus strand). Cytogenetic location: 7q21.3.
Variant type: single nucleotide variant.
Coding change: c.586G>T on transcript NM_000089.4 (MANE Select); coding-DNA position 586, G replaced by T.
Protein change: p.Gly196Cys; replaces glycine 196 with cysteine.
Molecular consequence: missense variant.
Genome position (GRCh38, 1-based): chr7:94,406,295, G>T. VCF-style: chr7-94406295-G-T. GRCh37 (hg19) VCF-style: chr7-94035607-G-T.
Other names: short protein forms G196C.
Identifiers: ClinVar variation 372734 (VCV000372734.8), dbSNP rs1057517953, ClinGen allele CA16042602.

ClinVar aggregate classification (germline): Pathogenic. Review status: criteria provided, multiple submitters, no conflicts (2 of 4 stars). 2 submissions from 2 submitters: Pathogenic (2). Last evaluated 2021-09-10.

Conditions:
Osteogenesis imperfecta type I (OI1). Also called: Lobstein disease; OI, TYPE I; OSTEOGENESIS IMPERFECTA TARDA; OSTEOGENESIS IMPERFECTA WITH BLUE SCLERAE; Classic Non-deforming Osteogenesis Imperfecta with Blue Sclerae; Osteogenesis imperfecta type 1. Identifiers: Orphanet 216796, Orphanet 666, MedGen C0023931, MONDO:0008146, OMIM 166200. Disease mechanism: loss of function.
Ehlers-Danlos syndrome, classic type, 1 (EDSCL1). Also called: EHLERS-DANLOS SYNDROME, GRAVIS TYPE; EHLERS-DANLOS SYNDROME, SEVERE CLASSIC TYPE; Ehlers-Danlos Syndrome, Classic Type, COL5A1-Related; EDS I; Ehlers-Danlos syndrome, type 1. Identifiers: MedGen C0268335, MONDO:0019567, OMIM 130000.

Submissions (2):

Labcorp Genetics (formerly Invitae), Labcorp
Classification: Pathogenic for Osteogenesis imperfecta type I; Ehlers-Danlos syndrome, classic type, 1. Last evaluated: 2021-09-10. Review status: criteria provided, single submitter. Criteria: Invitae Variant Classification Sherloc (09022015). Collection method: clinical testing. Allele origin: germline.
Comment: For these reasons, this variant has been classified as Pathogenic. This variant disrupts the triple helix domain of COL1A2. Glycine residues within the Gly-Xaa-Yaa repeats of the triple helix domain are required for the structure and stability of fibrillar collagens (PMID: 7695699, 8218237, 19344236). In COL1A2, variants affecting these glycine residues are significantly enriched in individuals with disease (PMID: 9016532, 17078022) compared to the general population (ExAC). Advanced modeling of protein sequence and biophysical properties (such as structural, functional, and spatial information, amino acid conservation, physicochemical variation, residue mobility, and thermodynamic stability) performed at Invitae indicates that this missense variant is expected to disrupt COL1A2 protein function. ClinVar contains an entry for this variant (Variation ID: 372734). This missense change has been observed in individual(s) with osteogenesis imperfecta (PMID: 21667357). This variant is not present in population databases (ExAC no frequency). This sequence change replaces glycine with cysteine at codon 196 of the COL1A2 protein (p.Gly196Cys). The glycine residue is highly conserved and there is a large physicochemical difference between glycine and cysteine.

GeneDx
Classification: Pathogenic. Last evaluated: 2017-07-26. Review status: criteria provided, single submitter. Criteria: GeneDx Variant Classification (06012015). Collection method: clinical testing. Allele origin: germline. Affected: yes.
Comment: The G196C variant in the COL1A2 gene has been reported previously in an individual with osteogenesis imperfecta type IV (Zhang et al., 2011). The G196C variant is not observed in large population cohorts (Lek et al., 2016; 1000 Genomes Consortium et al., 2015; Exome Variant Server). The G196C variant is a non-conservative amino acid substitution, which is likely to impact secondary protein structure as these residues differ in polarity, charge, size and/or other properties. This substitution occurs at a position that is conserved across species, affecting a Glycine residue in the Gly-X-Y repetitive motif of the triple helical region of the COL1A2 gene. In this domain, the Glycine in the triplet repeat is critical for protein folding and substitution of a triplet Glycine is a known pathogenic mechanism (Steiner et al., 2013). In silico analysis predicts this variant is probably damaging to the protein structure/function. Additionally, other missense variants at this same residue (G196D, G196V) and missense variants affecting nearby Glycine residues (G190V, G193S, G193D) have been reported in the Human Gene Mutation Database in association with COL1A2-related disorders (Stenson et al., 2014), supporting the functional importance of this region of the protein. We interpret G196C as a pathogenic variant.

Literature cited by the submitters: PubMed 7695699 (cited by Labcorp Genetics (formerly Invitae), Labcorp); PubMed 8218237 (cited by Labcorp Genetics (formerly Invitae), Labcorp); PubMed 19344236 (cited by Labcorp Genetics (formerly Invitae), Labcorp); PubMed 9016532 (cited by Labcorp Genetics (formerly Invitae), Labcorp); PubMed 17078022 (cited by Labcorp Genetics (formerly Invitae), Labcorp); PubMed 21667357 (cited by Labcorp Genetics (formerly Invitae), Labcorp).